The following is an entry in ClinVar:

NM_001002294.3(FMO3):c.579_580del (p.Asn194fs)

Genes: FMO3 (flavin containing dimethylaniline monoxygenase 3; plus strand), LOC126805916 (BRD4-independent group 4 enhancer GRCh37_chr1:171076844-171078043; plus strand). Cytogenetic location: 1q24.3.
Variant type: Deletion.
Coding change: c.579_580del on transcript NM_001002294.3 (MANE Select); coding-DNA positions 579 to 580, 2 bases deleted (GA; older notation c.579_580delGA).
Protein change: p.Asn194fs; shifts the reading frame from asparagine 194.
Molecular consequence: frameshift variant.
Genome position (GRCh38, 1-based): chr1:171,108,173-171,108,174, GA deleted. VCF-style (leftmost placement, unchanged base first): chr1-171108172-GGA-G. GRCh37 (hg19) VCF-style: chr1-171077313-GGA-G.
Other names: c.579_580del, p.Asn194fs (NM_006894.6); c.519_520del, p.Asn174fs (NM_001319173.2); c.390_391del, p.Asn131fs (NM_001319174.2); short protein forms N131fs, N194fs, N174fs.
Identifiers: ClinVar variation 3640365 (VCV003640365.2).

ClinVar aggregate classification (germline): Pathogenic (1 of 4 stars; one submission).

Submission:

Labcorp Genetics (formerly Invitae), Labcorp
Classification: Pathogenic. Last evaluated: 2024-02-12. Review status: criteria provided, single submitter. Criteria: Invitae Variant Classification Sherloc (09022015). Collection method: clinical testing. Allele origin: germline.
Comment: This sequence change creates a premature translational stop signal (p.Asn194Phefs*4) in the FMO3 gene. It is expected to result in an absent or disrupted protein product. Loss-of-function variants in FMO3 are known to be pathogenic (PMID: 20301282). This variant is present in population databases (rs758617515, gnomAD 0.002%). This variant has not been reported in the literature in individuals affected with FMO3-related conditions. For these reasons, this variant has been classified as Pathogenic.

Literature cited by the submitters: PubMed 20301282.